The following is an entry in ClinVar:

ClinVar aggregate classification (germline): Uncertain significance. Review status: criteria provided, multiple submitters, no conflicts (2 of 4 stars). 2 submissions from 2 submitters: Uncertain significance (2). Last evaluated 2025-05-17.

Conditions:
Bloom syndrome (BLM). Also called: Bloom-Torre-Machacek syndrome. Identifiers: Orphanet 125, MedGen C0005859, MONDO:0008876, OMIM 210900.
Hereditary cancer-predisposing syndrome. Also called: Tumor predisposition; Hereditary neoplastic syndrome; Neoplastic Syndromes, Hereditary; Hereditary Cancer Syndrome. Identifiers: Orphanet 140162, MedGen C0027672, MeSH D009386, MONDO:0015356.

Allele frequency attached by ClinVar (database versions not stated): gnomAD exomes below 0.00001.
gnomAD v4.1: 2 of 1,613,138 alleles (0.00012%); highest among the groups gnomAD compares: Non-Finnish European, 0.00017%; no homozygotes.

Submissions (2):

Ambry Genetics
Classification: Uncertain significance for Hereditary cancer-predisposing syndrome. Last evaluated: 2025-05-17. Review status: criteria provided, single submitter. Criteria: Ambry Variant Classification Scheme 2023. Collection method: clinical testing. Allele origin: germline.
Comment: The p.D1294N variant (also known as c.3880G>A), located in coding exon 20 of the BLM gene, results from a G to A substitution at nucleotide position 3880. The aspartic acid at codon 1294 is replaced by asparagine, an amino acid with highly similar properties. This amino acid position is conserved. In addition, this alteration is predicted to be tolerated by in silico analysis. Based on the available evidence, the clinical significance of this variant remains unclear.

Labcorp Genetics (formerly Invitae), Labcorp
Classification: Uncertain significance for Bloom syndrome. Last evaluated: 2022-09-11. Review status: criteria provided, single submitter. Criteria: Invitae Variant Classification Sherloc (09022015). Collection method: clinical testing. Allele origin: germline.
Comment: This sequence change replaces aspartic acid, which is acidic and polar, with asparagine, which is neutral and polar, at codon 1294 of the BLM protein (p.Asp1294Asn). This variant is not present in population databases (gnomAD no frequency). This variant has not been reported in the literature in individuals affected with BLM-related conditions. ClinVar contains an entry for this variant (Variation ID: 1490861). Advanced modeling of protein sequence and biophysical properties (such as structural, functional, and spatial information, amino acid conservation, physicochemical variation, residue mobility, and thermodynamic stability) performed at Invitae indicates that this missense variant is not expected to disrupt BLM protein function. In summary, the available evidence is currently insufficient to determine the role of this variant in disease. Therefore, it has been classified as a Variant of Uncertain Significance.

NM_000057.4(BLM):c.3880G>A (p.Asp1294Asn)

Gene: BLM (BLM RecQ like helicase; plus strand). Cytogenetic location: 15q26.1.
Variant type: single nucleotide variant.
Coding change: c.3880G>A on transcript NM_000057.4 (MANE Select); coding-DNA position 3880, G replaced by A.
Protein change: p.Asp1294Asn; replaces aspartic acid 1294 with asparagine.
Molecular consequence: missense variant.
Genome position (GRCh38, 1-based): chr15:90,811,210, G>A. VCF-style: chr15-90811210-G-A. GRCh37 (hg19) VCF-style: chr15-91354440-G-A.
Other names: c.3880G>A, p.Asp1294Asn (NM_001287246.2); c.3487G>A, p.Asp1163Asn (NM_001287247.2); c.2755G>A, p.Asp919Asn (NM_001287248.2); c.3880G>A (NM_000057.2); short protein forms D1163N, D1294N, D919N.
Identifiers: ClinVar variation 1490861 (VCV001490861.9), dbSNP rs560132774, ClinGen allele CA393850361.
Genomic context (GRCh38, chr15:90,811,210, plus strand): 5'-AAACACGTGGACCAGTGCGACATCACCTGTAAACATCTGCATTTTCCATTTGTAGCTGAA[G>A]ACAGTTCCCCAGGGATAAGCCTGTCCAGCAGCAGAGGCCCCGGAAGAAGTGCCGCTGAGG-3'
Protein context (NP_000048.1, residues 1284-1304): KYSEWTSPAE[Asp1294Asn]SSPGISLSSS